The following is an entry in ClinVar:

NM_018064.4(AKIRIN2):c.490C>T (p.Arg164Ter)

Gene: AKIRIN2 (akirin 2; minus strand). Cytogenetic location: 6q15.
Variant type: single nucleotide variant.
Coding change: c.490C>T on transcript NM_018064.4 (MANE Select); coding-DNA position 490, C replaced by T.
Protein change: p.Arg164Ter; replaces arginine 164 with a stop codon.
Molecular consequence: nonsense.
Genome position (GRCh38, 1-based): chr6:87,677,857, G>A on the plus strand (C>T on the coding strand, the complement: AKIRIN2 is on the minus strand). VCF-style: chr6-87677857-G-A. GRCh37 (hg19) VCF-style: chr6-88387575-G-A.
Other names: short protein forms R164*.
Identifiers: ClinVar variation 4538353 (VCV004538353.1).
Genomic context (GRCh38, chr6:87,677,857, plus strand): 5'-TCTAATAAACACACCTCATACCTGCAAGTTTTGTGTTCAATATTTCTTCATATTCTTCTC[G>A]AACTTTCTCTTCACGTTCTTTCAACAAACGTTCACAGATCATCCCAACCTGCCGTAGAGT-3'

ClinVar aggregate classification (germline): Uncertain significance (1 of 4 stars; one submission).

Submission:

Greenwood Genetic Center Diagnostic Laboratories, Greenwood Genetic Center
Classification: Uncertain significance. Last evaluated: 2025-04-02. Review status: criteria provided, single submitter. Criteria: ACMG Guidelines, 2015. Collection method: clinical testing. Allele origin: germline. Affected: yes.
Comment: Gene of Uncertain Significance